The following is an entry in ClinVar:

ClinVar aggregate classification (germline): Uncertain significance (1 of 4 stars; one submission).

gnomAD v4.1: 1 of 1,610,990 alleles (0.000062%); highest among the groups gnomAD compares: Admixed American, 0.0017%; no homozygotes.

Submission:

GeneDx
Classification: Uncertain significance. Last evaluated: 2023-10-27. Review status: criteria provided, single submitter. Criteria: GeneDx Variant Classification Process June 2021. Collection method: clinical testing. Allele origin: germline. Affected: yes.
Comment: Not observed at significant frequency in large population cohorts (gnomAD); In silico analysis supports that this missense variant has a deleterious effect on protein structure/function; Has not been previously published as pathogenic or benign to our knowledge

NM_000260.4(MYO7A):c.4251C>G (p.Ile1417Met)

Gene: MYO7A (myosin VIIA; plus strand). Cytogenetic location: 11q13.5.
Variant type: single nucleotide variant.
Coding change: c.4251C>G on transcript NM_000260.4 (MANE Select); coding-DNA position 4251, C replaced by G.
Protein change: p.Ile1417Met; replaces isoleucine 1417 with methionine.
Molecular consequence: missense variant.
Genome position (GRCh38, 1-based): chr11:77,194,452, C>G. VCF-style: chr11-77194452-C-G. GRCh37 (hg19) VCF-style: chr11-76905497-C-G.
Other names: c.4251C>G, p.Ile1417Met (NM_001127180.2); c.4218C>G, p.Ile1406Met (NM_001369365.1); short protein forms I1406M, I1417M.
Identifiers: ClinVar variation 3363286 (VCV003363286.1).
Genomic context (GRCh38, chr11:77,194,452, plus strand): 5'-TGTAGACTATGGCTCTGAGATGATCCTGGAGCGCCTCCTGAACCTCGTGCCCACCTACAT[C>G]CCCGACCGCGAGATCACGCCCCTGAAGACGCTGGAGAAGTGGGCCCAGCTGGCCATCGCC-3'
Protein context (NP_000251.3, residues 1407-1427): ERLLNLVPTY[Ile1417Met]PDREITPLKT